The following is an entry in ClinVar:

NM_006514.4(SCN10A):c.2982G>T (p.Trp994Cys)

Genes: SCN10A (sodium voltage-gated channel alpha subunit 10; minus strand), LOC110121288 (VISTA enhancer hs2268; plus strand). Cytogenetic location: 3p22.2.
Variant type: single nucleotide variant.
Coding change: c.2982G>T on transcript NM_006514.4 (MANE Select); coding-DNA position 2982, G replaced by T.
Protein change: p.Trp994Cys; replaces tryptophan 994 with cysteine.
Molecular consequence: missense variant.
Genome position (GRCh38, 1-based): chr3:38,726,711, C>A on the plus strand (G>T on the coding strand, the complement: SCN10A is on the minus strand). VCF-style: chr3-38726711-C-A. GRCh37 (hg19) VCF-style: chr3-38768202-C-A.
Other names: c.2982G>T, p.Trp994Cys (NM_001293306.2); c.2688G>T, p.Trp896Cys (NM_001293307.2); short protein forms W896C, W994C.
Identifiers: ClinVar variation 4844713 (VCV004844713.1).

ClinVar aggregate classification (germline): Uncertain significance (1 of 4 stars; one submission).

Conditions:
Cardiovascular phenotype. Identifiers: MedGen CN230736.

gnomAD v4.1: 9 of 1,612,886 alleles (0.00056%); highest among the groups gnomAD compares: Non-Finnish European, 0.00068%; no homozygotes.

Submission:

Ambry Genetics
Classification: Uncertain significance for Cardiovascular phenotype. Last evaluated: 2026-01-25. Review status: criteria provided, single submitter. Criteria: Ambry Variant Classification Scheme 2023. Collection method: clinical testing. Allele origin: germline.
Comment: The p.W994C variant (also known as c.2982G>T), located in coding exon 16 of the SCN10A gene, results from a G to T substitution at nucleotide position 2982. The tryptophan at codon 994 is replaced by cysteine, an amino acid with highly dissimilar properties. This amino acid position is conserved. In addition, the in silico prediction for this alteration is inconclusive. Based on the available evidence, the clinical significance of this variant remains unclear.